The following is an entry in ClinVar:

NM_001267550.2(TTN):c.98228A>G (p.Gln32743Arg)

Genes: TTN (titin; minus strand), TTN-AS1 (TTN antisense RNA 1; plus strand). Cytogenetic location: 2q31.2.
Variant type: single nucleotide variant.
Coding change: c.98228A>G on transcript NM_001267550.2 (MANE Select); coding-DNA position 98228, A replaced by G.
Protein change: p.Gln32743Arg; replaces glutamine 32743 with arginine.
Molecular consequence: missense variant. On other transcripts: non-coding transcript variant (1).
Genome position (GRCh38, 1-based): chr2:178,539,837, T>C on the plus strand (A>G on the coding strand, the complement: TTN is on the minus strand). VCF-style: chr2-178539837-T-C. GRCh37 (hg19) VCF-style: chr2-179404564-T-C.
Other names: c.93305A>G, p.Gln31102Arg (NM_001256850.1); c.71033A>G, p.Gln23678Arg (NM_003319.4); c.90524A>G, p.Gln30175Arg (NM_133378.4); c.71408A>G, p.Gln23803Arg (NM_133432.3); c.71609A>G, p.Gln23870Arg (NM_133437.4); short protein forms Q23870R, Q23803R, Q31102R, Q32743R, Q23678R, Q30175R.
Identifiers: ClinVar variation 1757193 (VCV001757193.2), dbSNP rs931997387, ClinGen allele CA60965555.

ClinVar aggregate classification (germline): Uncertain significance (1 of 4 stars; one submission).

Conditions:
Cardiovascular phenotype. Identifiers: MedGen CN230736.

Allele frequency attached by ClinVar (database versions not stated): gnomAD 0.00001; TOPMed 0.00001.
gnomAD v4.1: 2 of 1,613,758 alleles (0.00012%); highest among the groups gnomAD compares: African/African-American, 0.0027%; no homozygotes.

Submission:

Ambry Genetics
Classification: Uncertain significance for Cardiovascular phenotype. Last evaluated: 2019-12-04. Review status: criteria provided, single submitter. Criteria: Ambry Variant Classification Scheme 2023. Collection method: clinical testing. Allele origin: germline.
Comment: The p.Q23678R variant (also known as c.71033A>G), located in coding exon 179 of the TTN gene, results from an A to G substitution at nucleotide position 71033. The glutamine at codon 23678 is replaced by arginine, an amino acid with highly similar properties. This amino acid position is not well conserved in available vertebrate species, and arginine is the reference amino acid in other vertebrate species. In addition, this alteration is predicted to be tolerated by in silico analysis. Since supporting evidence is limited at this time, the clinical significance of this alteration remains unclear.